The following is an entry in ClinVar:

NM_001852.4(COL9A2):c.1855C>T (p.Pro619Ser)

Gene: COL9A2 (collagen type IX alpha 2 chain; minus strand). Cytogenetic location: 1p34.2.
Variant type: single nucleotide variant.
Coding change: c.1855C>T on transcript NM_001852.4 (MANE Select); coding-DNA position 1855, C replaced by T.
Protein change: p.Pro619Ser; replaces proline 619 with serine.
Molecular consequence: missense variant.
Genome position (GRCh38, 1-based): chr1:40,301,827, G>A on the plus strand (C>T on the coding strand, the complement: COL9A2 is on the minus strand). VCF-style: chr1-40301827-G-A. GRCh37 (hg19) VCF-style: chr1-40767499-G-A.
Other names: short protein forms P619S.
Identifiers: ClinVar variation 2160032 (VCV002160032.4), dbSNP rs774879246, ClinGen allele CA791307.

ClinVar aggregate classification (germline): Uncertain significance (1 of 4 stars; one submission).

Allele frequency attached by ClinVar (database versions not stated): TOPMed below 0.00001; ExAC 0.00001; gnomAD 0.00001; gnomAD exomes 0.00001.
gnomAD v4.1: 11 of 1,613,880 alleles (0.00068%); highest among the groups gnomAD compares: African/African-American, 0.0013%; no homozygotes.

Submission:

Labcorp Genetics (formerly Invitae), Labcorp
Classification: Uncertain significance. Last evaluated: 2026-01-17. Review status: criteria provided, single submitter. Criteria: Invitae Variant Classification Sherloc (09022015). Collection method: clinical testing. Allele origin: germline.
Comment: This sequence change replaces proline, which is neutral and non-polar, with serine, which is neutral and polar, at codon 619 of the COL9A2 protein (p.Pro619Ser). This variant is present in population databases (rs774879246, gnomAD 0.0009%). This variant has not been reported in the literature in individuals affected with COL9A2-related conditions. ClinVar contains an entry for this variant (Variation ID: 2160032). Invitae Evidence Modeling of protein sequence and biophysical properties (such as structural, functional, and spatial information, amino acid conservation, physicochemical variation, residue mobility, and thermodynamic stability) indicates that this missense variant is not expected to disrupt COL9A2 protein function with a negative predictive value of 95%. In summary, the available evidence is currently insufficient to determine the role of this variant in disease. Therefore, it has been classified as a Variant of Uncertain Significance.